The following is an entry in ClinVar:

NM_003742.4(ABCB11):c.409G>A (p.Glu137Lys)

Gene: ABCB11 (ATP binding cassette subfamily B member 11; minus strand). Cytogenetic location: 2q31.1.
Variant type: single nucleotide variant.
Coding change: c.409G>A on transcript NM_003742.4 (MANE Select); coding-DNA position 409, G replaced by A.
Protein change: p.Glu137Lys; replaces glutamic acid 137 with lysine.
Molecular consequence: missense variant.
Genome position (GRCh38, 1-based): chr2:168,996,703, C>T on the plus strand (G>A on the coding strand, the complement: ABCB11 is on the minus strand). VCF-style: chr2-168996703-C-T. GRCh37 (hg19) VCF-style: chr2-169853213-C-T.
Other names: NM_003742.4(ABCB11):c.409G>A; p.Glu137Lys; c.409G>A, p.Glu137Lys (LRG_1199t1); c.409G>A (NM_003742.2); short protein forms E137K.
Identifiers: ClinVar variation 498709 (VCV000498709.43), dbSNP rs1026511416, ClinGen allele CA59898882.

ClinVar aggregate classification (germline): Conflicting classifications of pathogenicity. Review status: criteria provided, conflicting classifications (1 of 4 stars). 5 submissions from 5 submitters: Likely pathogenic (2); Uncertain significance (3). Last evaluated 2026-04-14.

Conditions:
Progressive familial intrahepatic cholestasis type 2. Identifiers: Orphanet 79304, MedGen C3489789, MONDO:0011156, OMIM 601847.
ABCB11-related disorder. Also called: ABCB11-related condition.
Familial intrahepatic cholestasis. Identifiers: Orphanet 284385, MedGen CN296401, MONDO:0017290.

gnomAD v4.1: 5 of 1,563,264 alleles (0.00032%); highest among the groups gnomAD compares: Non-Finnish European, 0.00035%; no homozygotes.

Submissions (5):

Genomenon, Inc
Classification: Likely pathogenic for Familial intrahepatic cholestasis. Last evaluated: 2026-04-14. Review status: criteria provided, single submitter. Criteria: Genomenon Sequence Variant Interpretation Standards - Updated. Collection method: curation. Allele origin: germline. Affected: yes.
Comment: ABCB11 p.Glu137Lys (c.409G>A) is a missense variant that changes the amino acid at residue 137 from Glutamic acid to Lysine. This variant has been observed in at least one proband with an ABCB11-related disorder (PMID:39768432;32087350;19101985;26382629). A de novo occurrence of this variant has been observed in at least one affected individual (PMID:26382629). Functional studies have been reported (PMID:19101985). It is absent or not present at a significant frequency in gnomAD. In conclusion, we classify ABCB11 p.Glu137Lys (c.409G>A) as a likely pathogenic variant.

PreventionGenetics, part of Exact Sciences
Classification: Uncertain significance for ABCB11-related condition. Last evaluated: 2025-10-09. Review status: criteria provided, single submitter. Criteria: ACMG Guidelines, 2015. Collection method: clinical testing. Allele origin: germline.
Comment: The ABCB11 c.409G>A variant is predicted to result in the amino acid substitution p.Glu137Lys. This variant has been reported in the presumed compound heterozygous state in an individual with benign recurrent intrahepatic cholestasis (BRIC) (Li et al. 2020. PubMed ID: 32808743). Functional studies show this variant results in a predominance of immature protein (Byrne et al. 2009. PubMed ID: 19101985). This variant has not been reported in a large population database (gnomAD), indicating this variant is rare. At this time, the clinical significance of this variant is uncertain due to the absence of conclusive functional and genetic evidence.

Broad Center for Mendelian Genomics, Broad Institute of MIT and Harvard
Classification: Uncertain significance for Progressive familial intrahepatic cholestasis type 2. Last evaluated: 2025-02-03. Review status: criteria provided, single submitter. Criteria: ACMG Guidelines, 2015. Collection method: curation. Allele origin: germline. Inheritance: Autosomal recessive inheritance.
Comment: The p.Gly137Lys variant in ABCB11 has been reported in 3 individuals with BSEP deficiency (PMID: 32808743, 31538484, 19101985), and has been identified in 0.002% (1/61844) of European (Finnish) chromosomes by the Genome Aggregation Database (gnomAD; dbSNP rs1026511416). Although this variant has been seen in the general population in a heterozygous state, its frequency is low enough to be consistent with a recessive carrier frequency. This variant has also been reported in ClinVar (Variation ID: 498709 ) and has been interpreted as likely pathogenic by Eurofins Ntd Llc and a variant of uncertain significance by CeGaT Center for Human Genetics Tuebingen. Of the 3 affected individuals, 1 of those was a compound heterozygote that carried a likely pathogenic variant in trans, which increases the likelihood that the p.Gly137Lys variant is pathogenic (PMID: 32808743). This variant was found to be de novo in 1 individual with confirmed paternity and maternity (PMID: 32808743). Computational prediction tools and conservation analyses do not provide strong support for or against an impact to the protein. In summary, the clinical significance of the p.Gly137Lys variant is uncertain. ACMG/AMP Criteria applied: PM3, PS2_supporting, PM2_supporting (Richards 2015).

CeGaT Center for Human Genetics Tuebingen
Classification: Uncertain significance. Last evaluated: 2021-12-01. Review status: criteria provided, single submitter. Criteria: CeGaT Center For Human Genetics Tuebingen Variant Classification Criteria Version 2. Collection method: clinical testing. Allele origin: germline. Affected: yes. Observed: 2 variant alleles.

Eurofins Ntd Llc (ga)
Classification: Likely pathogenic. Last evaluated: 2017-02-06. Review status: criteria provided, single submitter. Criteria: EGL Classification Definitions 2015. Collection method: clinical testing. Allele origin: germline. Observed: 3 variant alleles, 3 heterozygotes.

Literature cited by the submitters: PubMed 39768432 (cited by Genomenon, Inc); PubMed 32087350 (cited by Genomenon, Inc); PubMed 19101985 (cited by Genomenon, Inc); PubMed 26382629 (cited by Genomenon, Inc).